The following is an entry in ClinVar:

ClinVar aggregate classification (germline): Pathogenic (1 of 4 stars; one submission).

Conditions:
SETBP1-related disorder. Also called: SETBP1-related condition; SETBP1-related disorders.
Intellectual developmental disorder, autosomal dominant 29. Also called: SETBP1 Haploinsufficiency Disorder; Intellectual disability, autosomal dominant 29. Identifiers: Orphanet 436151, MedGen C4015141, MONDO:0014482, OMIM 616078.

Submission:

GeneDx
Classification: Pathogenic. Last evaluated: 2016-10-04. Review status: criteria provided, single submitter. Criteria: GeneDx Variant Classification (06012015). Collection method: clinical testing. Allele origin: germline. Affected: yes.
Comment: The c.1568delA pathogenic variant in the SETBP1 gene has not been reported previously as a pathogenic variant nor as a benign variant, to our knowledge. The c.1568delA variant causes a frameshift starting with codon Histidine 523, changes this amino acid to a Leucine residue, and creates a premature Stop codon at position 32 of the new reading frame, denoted p.His523LeufsX32. This variant is predicted to cause loss of normal protein function either through protein truncation or nonsense-mediated mRNA decay. The c.1568delA variant was not observed in approximately 6500 individuals of European and African American ancestry in the NHLBI Exome Sequencing Project, indicating it is not a common benign variant in these populations. Protein truncating pathogenic variants downstream of this variant have been reported in the Human Gene Mutation Database in association with SETBP1-related disorders (Stenson et al., 2014), supporting the pathogenicity of more upstream truncating variants. We interpret c.1568delA as a pathogenic variant.

NM_015559.3(SETBP1):c.1568del (p.His523fs)

Gene: SETBP1 (SET binding protein 1; plus strand). Cytogenetic location: 18q12.3.
Variant type: Deletion.
Coding change: c.1568del on transcript NM_015559.3 (MANE Select); coding-DNA position 1568, one base deleted (A; older notation c.1568delA).
Protein change: p.His523fs; shifts the reading frame from histidine 523.
Molecular consequence: frameshift variant.
Genome position (GRCh38, 1-based): chr18:44,950,908, A deleted. VCF-style (leftmost placement, unchanged base first): chr18-44950907-CA-C. GRCh37 (hg19) VCF-style: chr18-42530872-CA-C.
Other names: c.1568del, p.His523fs (LRG_1150t1); short protein forms H523fs.
Identifiers: ClinVar variation 280223 (VCV000280223.4), dbSNP rs886041469, ClinGen allele CA10603493.
Genomic context (GRCh38, chr18:44,950,907, plus strand): 5'-GTCATGACACCTCCAACGTGCACAGATCACTCTCCATCCAGAAAGCTGCCAGAAATCCAG[CA>C]TCCAAAATTTGCTGCAAAACGAAGGTGGACTTGCAGCAAACCAAAACCTAGCACCATGCT-3'